The following is an entry in ClinVar:

NM_001035.3(RYR2):c.8231G>A (p.Gly2744Glu)

Gene: RYR2 (ryanodine receptor 2; plus strand). Cytogenetic location: 1q43.
Variant type: single nucleotide variant.
Coding change: c.8231G>A on transcript NM_001035.3 (MANE Select); coding-DNA position 8231, G replaced by A.
Protein change: p.Gly2744Glu; replaces glycine 2744 with glutamic acid.
Molecular consequence: missense variant.
Genome position (GRCh38, 1-based): chr1:237,660,007, G>A. VCF-style: chr1-237660007-G-A. GRCh37 (hg19) VCF-style: chr1-237823307-G-A.
Other names: short protein forms G2744E.
Identifiers: ClinVar variation 2768230 (VCV002768230.3), dbSNP rs2547114080, ClinGen allele CA345401355.
Genomic context (GRCh38, chr1:237,660,007, plus strand): 5'-ACGTGTAAAACAATTTTTAATGTTTGCCTTTTTTTAAGTTGGCAAATGGATGGATTTATG[G>A]AGAAATATATTCAGACTCTTCTAAGGTTCAGCCATTAATGAAGCCATATAAGCTATTGTC-3'
Protein context (NP_001026.2, residues 2734-2754): MDKLANGWIY[Gly2744Glu]EIYSDSSKVQ

ClinVar aggregate classification (germline): Uncertain significance (1 of 4 stars; one submission).

Conditions:
Catecholaminergic polymorphic ventricular tachycardia 1. Also called: RYR2-Related Catecholaminergic Polymorphic Ventricular Tachycardia; VENTRICULAR TACHYCARDIA, STRESS-INDUCED POLYMORPHIC 1; VENTRICULAR TACHYCARDIA, CATECHOLAMINERGIC POLYMORPHIC, 1, WITH OR WITHOUT ATRIAL DYSFUNCTION AND/OR DILATED CARDIOMYOPATHY. Identifiers: Orphanet 3286, MedGen C1631597, MONDO:0011484, OMIM 604772.

Allele frequency attached by ClinVar (database versions not stated): gnomAD exomes below 0.00001.
gnomAD v4.1: 1 of 1,587,122 alleles (0.000063%); highest among the groups gnomAD compares: East Asian, 0.0023%; no homozygotes.

Submission:

Labcorp Genetics (formerly Invitae), Labcorp
Classification: Uncertain significance for Catecholaminergic polymorphic ventricular tachycardia 1. Last evaluated: 2023-10-14. Review status: criteria provided, single submitter. Criteria: Invitae Variant Classification Sherloc (09022015). Collection method: clinical testing. Allele origin: germline.
Comment: This sequence change replaces glycine, which is neutral and non-polar, with glutamic acid, which is acidic and polar, at codon 2744 of the RYR2 protein (p.Gly2744Glu). This variant is not present in population databases (gnomAD no frequency). This variant has not been reported in the literature in individuals affected with RYR2-related conditions. Advanced modeling of protein sequence and biophysical properties (such as structural, functional, and spatial information, amino acid conservation, physicochemical variation, residue mobility, and thermodynamic stability) performed at Invitae indicates that this missense variant is expected to disrupt RYR2 protein function. In summary, the available evidence is currently insufficient to determine the role of this variant in disease. Therefore, it has been classified as a Variant of Uncertain Significance.